The following is an entry in ClinVar:

NM_000329.3(RPE65):c.1136C>T (p.Thr379Ile)

Gene: RPE65 (retinoid isomerohydrolase RPE65; minus strand). Cytogenetic location: 1p31.3.
Variant type: single nucleotide variant.
Coding change: c.1136C>T on transcript NM_000329.3 (MANE Select); coding-DNA position 1136, C replaced by T.
Protein change: p.Thr379Ile; replaces threonine 379 with isoleucine.
Molecular consequence: missense variant.
Genome position (GRCh38, 1-based): chr1:68,431,578, G>A on the plus strand (C>T on the coding strand, the complement: RPE65 is on the minus strand). VCF-style: chr1-68431578-G-A. GRCh37 (hg19) VCF-style: chr1-68897261-G-A.
Other names: c.1028C>T, p.Thr343Ile (NM_001406853.1); c.860C>T, p.Thr287Ile (NM_001406856.1, NM_001406857.1); short protein forms T287I, T343I, T379I.
Identifiers: ClinVar variation 5028403 (VCV005028403.1).

ClinVar aggregate classification (germline): Uncertain significance (1 of 4 stars; one submission).

Conditions:
Inborn genetic diseases. Identifiers: MedGen C0950123, MeSH D030342.

gnomAD v4.1: 1 of 1,613,372 alleles (0.000062%); highest among the groups gnomAD compares: Non-Finnish European, 0.000085%; no homozygotes.

Submission:

Ambry Genetics
Classification: Uncertain significance for Inborn genetic diseases. Last evaluated: 2026-07-07. Review status: criteria provided, single submitter. Criteria: Ambry Variant Classification Scheme 2023. Collection method: clinical testing. Allele origin: germline.
Comment: The p.T379I variant (also known as c.1136C>T), located in coding exon 11 of the RPE65 gene, results from a C to T substitution at nucleotide position 1136. The threonine at codon 379 is replaced by isoleucine, an amino acid with similar properties. This amino acid position is conserved. In addition, the in silico prediction for this alteration is inconclusive. Based on the available evidence, the clinical significance of this variant remains unclear.